The following is an entry in ClinVar:

ClinVar aggregate classification (germline): Likely benign (0 of 4 stars; one submission).

Conditions:
SEMA3G-related disorder. Also called: SEMA3G-related condition.

Allele frequency attached by ClinVar (database versions not stated): gnomAD 0.00002; ExAC 0.00003; TOPMed 0.00003; ESP Exome Variant Server 0.00015.
gnomAD v4.1: 22 of 1,612,970 alleles (0.0014%); highest among the groups gnomAD compares: Middle Eastern, 0.016%; no homozygotes.

Submission:

PreventionGenetics, part of Exact Sciences
Classification: Likely benign for SEMA3G-related condition. Last evaluated: 2023-07-31. Review status: no assertion criteria provided. Collection method: clinical testing. Allele origin: germline.
Comment: This variant is classified as likely benign based on ACMG/AMP sequence variant interpretation guidelines (Richards et al. 2015 PMID: 25741868, with internal and published modifications).

NM_020163.3(SEMA3G):c.978C>T (p.Tyr326=)

Gene: SEMA3G (semaphorin 3G; minus strand). Cytogenetic location: 3p21.1.
Variant type: single nucleotide variant.
Coding change: c.978C>T on transcript NM_020163.3 (MANE Select); coding-DNA position 978, C replaced by T.
Protein change: p.Tyr326=; no amino-acid change (tyrosine 326 retained).
Molecular consequence: synonymous variant.
Genome position (GRCh38, 1-based): chr3:52,440,774, G>A on the plus strand (C>T on the coding strand, the complement: SEMA3G is on the minus strand). VCF-style: chr3-52440774-G-A. GRCh37 (hg19) VCF-style: chr3-52474790-G-A.
Identifiers: ClinVar variation 3045873 (VCV003045873.2), dbSNP rs149815125, ClinGen allele CA2438116.